The following is an entry in ClinVar:

ClinVar aggregate classification (germline): Uncertain significance (1 of 4 stars; one submission).

gnomAD v4.1: 1 of 1,614,060 alleles (0.000062%); no homozygotes.

Submission:

GeneDx
Classification: Uncertain significance. Last evaluated: 2021-04-13. Review status: criteria provided, single submitter. Criteria: GeneDx Variant Classification Process June 2021. Collection method: clinical testing. Allele origin: germline. Affected: yes.
Comment: Not observed at a significant frequency in large population cohorts (Lek et al., 2016); In silico analysis supports that this missense variant has a deleterious effect on protein structure/function; Has not been previously published as pathogenic or benign to our knowledge

NM_001382347.1(MYO5A):c.3008G>T (p.Arg1003Leu)

Gene: MYO5A (myosin VA; minus strand). Cytogenetic location: 15q21.2.
Variant type: single nucleotide variant.
Coding change: c.3008G>T on transcript NM_001382347.1 (MANE Select); coding-DNA position 3008, G replaced by T.
Protein change: p.Arg1003Leu; replaces arginine 1003 with leucine.
Molecular consequence: missense variant.
Genome position (GRCh38, 1-based): chr15:52,370,227, C>A on the plus strand (G>T on the coding strand, the complement: MYO5A is on the minus strand). VCF-style: chr15-52370227-C-A. GRCh37 (hg19) VCF-style: chr15-52662424-C-A.
Other names: c.3008G>T, p.Arg1003Leu (NM_000259.3, NM_001142495.2); c.3080G>T, p.Arg1027Leu (NM_001382348.1, NM_001382349.1); short protein forms R1003L, R1027L.
Identifiers: ClinVar variation 1314403 (VCV001314403.2), dbSNP rs563030400, ClinGen allele CA7568556.